The following is an entry in ClinVar:

ClinVar aggregate classification (germline): Uncertain significance (1 of 4 stars; one submission).

gnomAD v4.1: 1 of 1,541,644 alleles (0.000065%); no homozygotes.

Submission:

Women's Health and Genetics/Laboratory Corporation of America, LabCorp
Classification: Uncertain significance. Last evaluated: 2023-08-03. Review status: criteria provided, single submitter. Criteria: LabCorp Variant Classification Summary - May 2015. Collection method: clinical testing. Allele origin: germline.
Comment: Variant summary: COL27A1 c.1892G>A (p.Gly631Glu) results in a non-conservative amino acid change located in the Collagen triple helix repeat (IPR008160) of the encoded protein sequence. Five of five in-silico tools predict a damaging effect of the variant on protein function. The variant was absent in 190298 control chromosomes. The available data on variant occurrences in the general population are insufficient to allow any conclusion about variant significance. To our knowledge, no occurrence of c.1892G>A in individuals affected with Steel syndrome and no experimental evidence demonstrating its impact on protein function have been reported. No submitters have cited clinical-significance assessments for this variant to ClinVar after 2014. Based on the evidence outlined above, the variant was classified as uncertain significance.

NM_032888.4(COL27A1):c.1892G>A (p.Gly631Glu)

Gene: COL27A1 (collagen type XXVII alpha 1 chain; plus strand). Cytogenetic location: 9q32.
Variant type: single nucleotide variant.
Coding change: c.1892G>A on transcript NM_032888.4 (MANE Select); coding-DNA position 1892, G replaced by A.
Protein change: p.Gly631Glu; replaces glycine 631 with glutamic acid.
Molecular consequence: missense variant.
Genome position (GRCh38, 1-based): chr9:114,169,447, G>A. VCF-style: chr9-114169447-G-A. GRCh37 (hg19) VCF-style: chr9-116931727-G-A.
Other names: short protein forms G631E.
Identifiers: ClinVar variation 2581415 (VCV002581415.1), dbSNP rs1026023152, ClinGen allele CA374595977.